The following is an entry in ClinVar:

NM_007375.4(TARDBP):c.227A>G (p.Asn76Ser)

Gene: TARDBP (TAR DNA binding protein; plus strand). Cytogenetic location: 1p36.22.
Variant type: single nucleotide variant.
Coding change: c.227A>G on transcript NM_007375.4 (MANE Select); coding-DNA position 227, A replaced by G.
Protein change: p.Asn76Ser; replaces asparagine 76 with serine.
Molecular consequence: missense variant.
Genome position (GRCh38, 1-based): chr1:11,013,954, A>G. VCF-style: chr1-11013954-A-G. GRCh37 (hg19) VCF-style: chr1-11074011-A-G.
Other names: short protein forms N76S.
Identifiers: ClinVar variation 1391648 (VCV001391648.6), dbSNP rs142913423, ClinGen allele CA586319.

ClinVar aggregate classification (germline): Uncertain significance (1 of 4 stars; one submission).

Conditions:
FRONTOTEMPORAL LOBAR DEGENERATION WITH TDP43 INCLUSIONS, TARDBP-RELATED. Also called: Frontotemporal lobar degeneration, TARDBP-related. Identifiers: MedGen C3150169, OMIM 612069.
Amyotrophic lateral sclerosis type 10 (ALS10). Also called: AMYOTROPHIC LATERAL SCLEROSIS 10 WITHOUT FRONTOTEMPORAL DEMENTIA AND WITH TDP43 INCLUSIONS; AMYOTROPHIC LATERAL SCLEROSIS 10 WITH OR WITHOUT FRONTOTEMPORAL DEMENTIA AND WITH TDP43 INCLUSIONS; AMYOTROPHIC LATERAL SCLEROSIS 10 WITH OR WITHOUT FRONTOTEMPORAL DEMENTIA; TARDBP-Related Amyotrophic Lateral Sclerosis-Frontotemporal Dementia; Amyotrophic lateral sclerosis 10, with or without FTD. Identifiers: Orphanet 275872, Orphanet 803, MedGen C2677565, MONDO:0012790, OMIM 612069.

Allele frequency attached by ClinVar (database versions not stated): gnomAD exomes 0.00001; ExAC 0.00002; ESP Exome Variant Server 0.00008.
gnomAD v4.1: 11 of 1,614,212 alleles (0.00068%); highest among the groups gnomAD compares: Non-Finnish European, 0.00093%; no homozygotes.

Submission:

Labcorp Genetics (formerly Invitae), Labcorp
Classification: Uncertain significance for Amyotrophic lateral sclerosis type 10; FRONTOTEMPORAL LOBAR DEGENERATION WITH TDP43 INCLUSIONS, TARDBP-RELATED. Last evaluated: 2023-08-24. Review status: criteria provided, single submitter. Criteria: Invitae Variant Classification Sherloc (09022015). Collection method: clinical testing. Allele origin: germline.
Comment: In summary, the available evidence is currently insufficient to determine the role of this variant in disease. Therefore, it has been classified as a Variant of Uncertain Significance. Advanced modeling of protein sequence and biophysical properties (such as structural, functional, and spatial information, amino acid conservation, physicochemical variation, residue mobility, and thermodynamic stability) performed at Invitae indicates that this missense variant is not expected to disrupt TARDBP protein function. ClinVar contains an entry for this variant (Variation ID: 1391648). This variant has not been reported in the literature in individuals affected with TARDBP-related conditions. This variant is present in population databases (rs142913423, gnomAD 0.0009%). This sequence change replaces asparagine, which is neutral and polar, with serine, which is neutral and polar, at codon 76 of the TARDBP protein (p.Asn76Ser).